The following is an entry in ClinVar:

ClinVar aggregate classification (germline): Uncertain significance (1 of 4 stars; one submission).

Conditions:
Congenital contractural arachnodactyly (CCA). Also called: BEALS SYNDROME; Arthrogryposis, distal, type 9; Beals-Hecht syndrome. Identifiers: Orphanet 115, MedGen C0220668, MONDO:0007363, OMIM 121050.

Submission:

Labcorp Genetics (formerly Invitae), Labcorp
Classification: Uncertain significance for Congenital contractural arachnodactyly. Last evaluated: 2024-02-17. Review status: criteria provided, single submitter. Criteria: Invitae Variant Classification Sherloc (09022015). Collection method: clinical testing. Allele origin: germline.
Comment: This sequence change replaces glycine, which is neutral and non-polar, with alanine, which is neutral and non-polar, at codon 1944 of the FBN2 protein (p.Gly1944Ala). This variant is not present in population databases (gnomAD no frequency). This variant has not been reported in the literature in individuals affected with FBN2-related conditions. Advanced modeling of protein sequence and biophysical properties (such as structural, functional, and spatial information, amino acid conservation, physicochemical variation, residue mobility, and thermodynamic stability) has been performed at Invitae for this missense variant, however the output from this modeling did not meet the statistical confidence thresholds required to predict the impact of this variant on FBN2 protein function. In summary, the available evidence is currently insufficient to determine the role of this variant in disease. Therefore, it has been classified as a Variant of Uncertain Significance.

NM_001999.4(FBN2):c.5831G>C (p.Gly1944Ala)

Gene: FBN2 (fibrillin 2; minus strand). Cytogenetic location: 5q23.3.
Variant type: single nucleotide variant.
Coding change: c.5831G>C on transcript NM_001999.4 (MANE Select); coding-DNA position 5831, G replaced by C.
Protein change: p.Gly1944Ala; replaces glycine 1944 with alanine.
Molecular consequence: missense variant.
Genome position (GRCh38, 1-based): chr5:128,303,059, C>G on the plus strand (G>C on the coding strand, the complement: FBN2 is on the minus strand). VCF-style: chr5-128303059-C-G. GRCh37 (hg19) VCF-style: chr5-127638751-C-G.
Other names: short protein forms G1944A.
Identifiers: ClinVar variation 3641520 (VCV003641520.2).
Genomic context (GRCh38, chr5:128,303,059, plus strand): 5'-TCAAACCCTGGGTAGCACAGACAGTTATAGGATCCAACGGTGTTTTTACAAGTTCCATTT[C>G]CACATGGATGCCGCTCGCACTCATCAACATCTATAAAGAAATATAGGCTCAAAAAATTCA-3'
Protein context (NP_001990.2, residues 1934-1954): DVDECERHPC[Gly1944Ala]NGTCKNTVGS